The following is an entry in ClinVar:

ClinVar aggregate classification (germline): Benign (1 of 4 stars; one submission).

Allele frequency attached by ClinVar (database versions not stated): gnomAD 0.33693; TOPMed 0.33760; 1000 Genomes Project 30x 0.33885; 1000 Genomes Project 0.33906; gnomAD exomes 0.34824; ExAC 0.41246.
gnomAD v4.1: 306,804 of 886,886 alleles (35%); highest among the groups gnomAD compares: Admixed American, 45%; 53,564 homozygotes.

Submission:

Unidad de Genómica Garrahan, Hospital de Pediatría Garrahan
Classification: Benign. Last evaluated: 2024-01-24. Review status: criteria provided, single submitter. Criteria: ACMG Guidelines, 2015. Collection method: clinical testing. Allele origin: germline. Affected: no. Observed: 48 variant alleles.
Comment: This variant is classified as Benign based on local population frequency. This variant was detected in 51% of patients studied by a panel of primary immunodeficiencies. Number of patients: 48. Only high quality variants are reported.

NM_000625.4(NOS2):c.-73-10C>T

Gene: NOS2 (nitric oxide synthase 2; minus strand). Cytogenetic location: 17q11.2.
Variant type: single nucleotide variant.
Coding change: c.-73-10C>T on transcript NM_000625.4 (MANE Select); 10 bases into the intron before 73 bases upstream of the start codon, C replaced by T.
Molecular consequence: intron variant.
Genome position (GRCh38, 1-based): chr17:27,798,892, G>A on the plus strand (C>T on the coding strand, the complement: NOS2 is on the minus strand). VCF-style: chr17-27798892-G-A. GRCh37 (hg19) VCF-style: chr17-26125918-G-A.
Identifiers: ClinVar variation 2688120 (VCV002688120.2), dbSNP rs3730013, ClinGen allele CA8455216.